The following is an entry in ClinVar:

ClinVar aggregate classification (germline): Uncertain significance (1 of 4 stars; one submission).

Conditions:
Autosomal dominant epilepsy with auditory features. Identifiers: Orphanet 101046, MedGen C1838062, MONDO:0010898.

Submission:

Labcorp Genetics (formerly Invitae), Labcorp
Classification: Uncertain significance for Autosomal dominant epilepsy with auditory features. Last evaluated: 2023-12-28. Review status: criteria provided, single submitter. Criteria: Invitae Variant Classification Sherloc (09022015). Collection method: clinical testing. Allele origin: germline.
Comment: This sequence change replaces glutamic acid, which is acidic and polar, with methionine, which is neutral and non-polar, at codon 248 of the LGI1 protein (p.Glu248Met). Information on the frequency of this variant in the gnomAD database is not available, as this variant may be reported differently in the database. This variant has not been reported in the literature in individuals affected with LGI1-related conditions. An algorithm developed to predict the effect of missense changes on protein structure and function (PolyPhen-2) suggests that this variant is likely to be disruptive. In summary, the available evidence is currently insufficient to determine the role of this variant in disease. Therefore, it has been classified as a Variant of Uncertain Significance.

NM_005097.4(LGI1):c.742_743delinsAT (p.Glu248Met)

Gene: LGI1 (leucine rich glioma inactivated 1; plus strand). Cytogenetic location: 10q23.33.
Variant type: Indel.
Coding change: c.742_743delinsAT on transcript NM_005097.4 (MANE Select); coding-DNA positions 742 to 743, GA replaced by AT.
Protein change: p.Glu248Met; replaces glutamic acid 248 with methionine.
Molecular consequence: missense variant. On other transcripts: non-coding transcript variant (1).
Genome position (GRCh38, 1-based): chr10:93,793,254-93,793,255, GA replaced by AT. VCF-style: chr10-93793254-GA-AT. GRCh37 (hg19) VCF-style: chr10-95553011-GA-AT.
Other names: c.742_743delinsAT, p.Glu248Met (NM_001308275.2); c.598_599delinsAT, p.Glu200Met (NM_001308276.2); short protein forms E200M, E248M.
Identifiers: ClinVar variation 2796165 (VCV002796165.3), dbSNP rs2492906090, ClinGen allele CA2739275929.